The following is an entry in ClinVar:

ClinVar aggregate classification (germline): Uncertain significance (1 of 4 stars; one submission).

Conditions:
Charcot-Marie-Tooth disease type 4. Also called: Charcot-Marie-Tooth, Type 4; Charcot-Marie-Tooth disease, type IV. Identifiers: Orphanet 64749, MedGen C4082197, MONDO:0018995.

Submission:

Labcorp Genetics (formerly Invitae), Labcorp
Classification: Uncertain significance for Charcot-Marie-Tooth disease type 4. Last evaluated: 2022-08-12. Review status: criteria provided, single submitter. Criteria: Invitae Variant Classification Sherloc (09022015). Collection method: clinical testing. Allele origin: germline.
Comment: A copy number gain of the genomic region encompassing the full coding sequence of the FGD4 gene has been identified. The boundaries of this event are unknown as they extend beyond the assayed region for this gene and therefore may encompass additional genes. As the precise location of this event is unknown, it may be in tandem or it may be located elsewhere in the genome. This variant has not been reported in the literature in individuals affected with FGD4-related conditions. In summary, the available evidence is currently insufficient to determine the role of this variant in disease. Therefore, it has been classified as a Variant of Uncertain Significance.

NC_000012.11:g.(?_32729292)_(32793467_?)dup

Gene: FGD4 (FYVE, RhoGEF and PH domain containing 4; plus strand). Cytogenetic location: 12p11.21.
Variant type: Duplication.
Identifiers: ClinVar variation 2427282 (VCV002427282.2).